The following is an entry in ClinVar:

NM_006361.6(HOXB13):c.779T>G (p.Ile260Ser)

Gene: HOXB13 (homeobox B13; minus strand). Cytogenetic location: 17q21.32.
Variant type: single nucleotide variant.
Coding change: c.779T>G on transcript NM_006361.6 (MANE Select); coding-DNA position 779, T replaced by G.
Protein change: p.Ile260Ser; replaces isoleucine 260 with serine.
Molecular consequence: missense variant.
Genome position (GRCh38, 1-based): chr17:48,726,866, A>C on the plus strand (T>G on the coding strand, the complement: HOXB13 is on the minus strand). VCF-style: chr17-48726866-A-C. GRCh37 (hg19) VCF-style: chr17-46804228-A-C.
Other names: short protein forms I260S.
Identifiers: ClinVar variation 966330 (VCV000966330.11), dbSNP rs1269018676, ClinGen allele CA400105798.

ClinVar aggregate classification (germline): Uncertain significance. Review status: criteria provided, multiple submitters, no conflicts (2 of 4 stars). 2 submissions from 2 submitters: Uncertain significance (2). Last evaluated 2023-07-05.

Conditions:
Hereditary cancer-predisposing syndrome. Also called: Hereditary neoplastic syndrome; Neoplastic Syndromes, Hereditary; Hereditary Cancer Syndrome; Tumor predisposition. Identifiers: Orphanet 140162, MedGen C0027672, MeSH D009386, MONDO:0015356.

Submissions (2):

Ambry Genetics
Classification: Uncertain significance for Hereditary cancer-predisposing syndrome. Last evaluated: 2023-07-05. Review status: criteria provided, single submitter. Criteria: Ambry Variant Classification Scheme 2023. Collection method: clinical testing. Allele origin: germline.

Labcorp Genetics (formerly Invitae), Labcorp
Classification: Uncertain significance. Last evaluated: 2022-10-23. Review status: criteria provided, single submitter. Criteria: Invitae Variant Classification Sherloc (09022015). Collection method: clinical testing. Allele origin: germline.
Comment: In summary, the available evidence is currently insufficient to determine the role of this variant in disease. Therefore, it has been classified as a Variant of Uncertain Significance. Algorithms developed to predict the effect of missense changes on protein structure and function (SIFT, PolyPhen-2, Align-GVGD) all suggest that this variant is likely to be disruptive. ClinVar contains an entry for this variant (Variation ID: 966330). This variant has not been reported in the literature in individuals affected with HOXB13-related conditions. This variant is not present in population databases (gnomAD no frequency). This sequence change replaces isoleucine, which is neutral and non-polar, with serine, which is neutral and polar, at codon 260 of the HOXB13 protein (p.Ile260Ser).